The following is an entry in ClinVar:

NM_002860.4(ALDH18A1):c.1770C>T (p.Ser590=)

Gene: ALDH18A1 (aldehyde dehydrogenase 18 family member A1; minus strand). Cytogenetic location: 10q24.1.
Variant type: single nucleotide variant.
Coding change: c.1770C>T on transcript NM_002860.4 (MANE Select); coding-DNA position 1770, C replaced by T.
Protein change: p.Ser590=; no amino-acid change (serine 590 retained).
Molecular consequence: synonymous variant.
Genome position (GRCh38, 1-based): chr10:95,613,997, G>A on the plus strand (C>T on the coding strand, the complement: ALDH18A1 is on the minus strand). VCF-style: chr10-95613997-G-A. GRCh37 (hg19) VCF-style: chr10-97373754-G-A.
Other names: p.Ser590=; c.1764C>T, p.Ser588= (NM_001017423.2, NM_001323415.2); c.1437C>T, p.Ser479= (NM_001323412.2, NM_001323416.2); c.1770C>T, p.Ser590= (NM_001323413.2, NM_001323414.2); c.1665C>T, p.Ser555= (NM_001323417.2); c.1431C>T, p.Ser477= (NM_001323418.2); c.1134C>T, p.Ser378= (NM_001323419.2).
Identifiers: ClinVar variation 301762 (VCV000301762.21), dbSNP rs11541780, ClinGen allele CA5620236.

ClinVar aggregate classification (germline): Benign. Review status: criteria provided, multiple submitters, no conflicts (2 of 4 stars). 7 submissions from 7 submitters: Benign (7). Last evaluated 2026-02-04.

Conditions:
Hereditary spastic paraplegia. Also called: Familial spastic paraparesis. Identifiers: Orphanet 685, MedGen C0037773, MONDO:0019064. Disease mechanism: loss of function.
ALDH18A1-related de Barsy syndrome. Also called: Cutis laxa, autosomal recessive IIIA; DE BARSY SYNDROME A. Identifiers: Orphanet 2962, Orphanet 35664, MedGen C5234852, MONDO:0009053, OMIM 219150.
Autosomal dominant spastic paraplegia type 9. Identifiers: MedGen C1832669, MONDO:0015091.
de Barsy syndrome. Also called: Cutis laxa-corneal clouding-oligophrenia syndrome. Identifiers: Orphanet 2962, MedGen C0268354, MONDO:0017569.
Cutis laxa, autosomal dominant 3 (ADCL3). Identifiers: Orphanet 90348, MedGen C4225268, MONDO:0014706, OMIM 616603.

Allele frequency attached by ClinVar (database versions not stated): 1000 Genomes Project 0.01797; 1000 Genomes Project 30x 0.01858; TOPMed 0.03126; ExAC 0.03272; gnomAD exomes 0.03316 and 0.04197; gnomAD 0.03331 and 0.03433; ESP Exome Variant Server 0.03460.
gnomAD v4.1: 66,083 of 1,614,114 alleles (4.1%); highest among the groups gnomAD compares: Non-Finnish European, 4.7%; 1,552 homozygotes.

Submissions (7):

Labcorp Genetics (formerly Invitae), Labcorp
Classification: Benign for Autosomal dominant spastic paraplegia type 9; de Barsy syndrome; Cutis laxa, autosomal dominant 3. Last evaluated: 2026-02-04. Review status: criteria provided, single submitter. Criteria: Invitae Variant Classification Sherloc (09022015). Collection method: clinical testing. Allele origin: germline.

Blueprint Genetics
Classification: Benign. Last evaluated: 2024-11-27. Review status: criteria provided, single submitter. Criteria: ACMG Guidelines, 2015. Collection method: clinical testing. Allele origin: germline.

Mayo Clinic Laboratories, Mayo Clinic
Classification: Benign. Last evaluated: 2022-03-23. Review status: criteria provided, single submitter. Criteria: ACMG Guidelines, 2015. Collection method: clinical testing. Allele origin: germline. Observed: 81 variant alleles.

Genome Diagnostics Laboratory, The Hospital for Sick Children
Classification: Benign for Hereditary spastic paraplegia. Last evaluated: 2022-01-20. Review status: criteria provided, single submitter. Criteria: ACMG Guidelines, 2015. Collection method: clinical testing. Allele origin: germline. Affected: yes.

Illumina Laboratory Services, Illumina
Classification: Benign for ALDH18A1-related de Barsy syndrome. Last evaluated: 2018-01-12. Review status: criteria provided, single submitter. Criteria: ICSL Variant Classification Criteria 13 December 2019. Collection method: clinical testing. Allele origin: germline.
Comment: This variant was observed in the ICSL laboratory as part of a predisposition screen in an ostensibly healthy population. It had not been previously curated by ICSL or reported in the Human Gene Mutation Database (HGMD: prior to June 1st, 2018), and was therefore a candidate for classification through an automated scoring system. Utilizing variant allele frequency, disease prevalence and penetrance estimates, and inheritance mode, an automated score was calculated to assess if this variant is too frequent to cause the disease. Based on the score and internal cut-off values, a variant classified as benign is not then subjected to further curation. The score for this variant resulted in a classification of benign for this disease.

GeneDx
Classification: Benign. Last evaluated: 2016-10-10. Review status: criteria provided, single submitter. Criteria: GeneDx Variant Classification (06012015). Collection method: clinical testing. Allele origin: germline. Affected: yes.
Comment: This variant is considered likely benign or benign based on one or more of the following criteria: it is a conservative change, it occurs at a poorly conserved position in the protein, it is predicted to be benign by multiple in silico algorithms, and/or has population frequency not consistent with disease.

Breakthrough Genomics
Classification: Benign. Review status: criteria provided, single submitter. Criteria: ACMG Guidelines, 2015. Collection method: not provided. Allele origin: germline. Inheritance: Autosomal recessive inheritance. Affected: yes.